The following is an entry in ClinVar:

ClinVar aggregate classification (germline): Uncertain significance. Review status: criteria provided, multiple submitters, no conflicts (2 of 4 stars). 2 submissions from 2 submitters: Uncertain significance (2). Last evaluated 2025-03-01.

Conditions:
Inborn genetic diseases. Identifiers: MedGen C0950123, MeSH D030342.

Allele frequency attached by ClinVar (database versions not stated): gnomAD exomes 0.00003 and 0.00012; gnomAD 0.00007 and 0.00008; ESP Exome Variant Server 0.00008; TOPMed 0.00009; ExAC 0.00013; 1000 Genomes Project 30x 0.00031; 1000 Genomes Project 0.00040.
gnomAD v4.1: 64 of 1,614,022 alleles (0.004%); highest among the groups gnomAD compares: East Asian, 0.069%; no homozygotes.

Submissions (2):

Ambry Genetics
Classification: Uncertain significance for Inborn genetic diseases. Last evaluated: 2025-03-01. Review status: criteria provided, single submitter. Criteria: Ambry Variant Classification Scheme 2023. Collection method: clinical testing. Allele origin: germline.

Labcorp Genetics (formerly Invitae), Labcorp
Classification: Uncertain significance. Last evaluated: 2022-10-17. Review status: criteria provided, single submitter. Criteria: Invitae Variant Classification Sherloc (09022015). Collection method: clinical testing. Allele origin: germline.
Comment: This sequence change replaces alanine, which is neutral and non-polar, with threonine, which is neutral and polar, at codon 1244 of the LAMC3 protein (p.Ala1244Thr). This variant is present in population databases (rs113975085, gnomAD 0.1%). This variant has not been reported in the literature in individuals affected with LAMC3-related conditions. ClinVar contains an entry for this variant (Variation ID: 1414946). Algorithms developed to predict the effect of missense changes on protein structure and function output the following: SIFT: "Tolerated"; PolyPhen-2: "Benign"; Align-GVGD: "Class C0". The threonine amino acid residue is found in multiple mammalian species, which suggests that this missense change does not adversely affect protein function. In summary, the available evidence is currently insufficient to determine the role of this variant in disease. Therefore, it has been classified as a Variant of Uncertain Significance.

NM_006059.4(LAMC3):c.3730G>A (p.Ala1244Thr)

Gene: LAMC3 (laminin subunit gamma 3; plus strand). Cytogenetic location: 9q34.12.
Variant type: single nucleotide variant.
Coding change: c.3730G>A on transcript NM_006059.4 (MANE Select); coding-DNA position 3730, G replaced by A.
Protein change: p.Ala1244Thr; replaces alanine 1244 with threonine.
Molecular consequence: missense variant.
Genome position (GRCh38, 1-based): chr9:131,077,287, G>A. VCF-style: chr9-131077287-G-A. GRCh37 (hg19) VCF-style: chr9-133952674-G-A.
Other names: c.3730G>A (NM_006059.3); short protein forms A1244T.
Identifiers: ClinVar variation 1414946 (VCV001414946.5), dbSNP rs113975085, ClinGen allele CA5287915.